The following is an entry in ClinVar:

ClinVar aggregate classification (germline): Uncertain significance (1 of 4 stars; one submission).

Conditions:
Cohen syndrome (COH1). Also called: PEPPER SYNDROME; Cutis verticis gyrata, retinitis pigmentosa, and sensorineural deafness. Identifiers: Orphanet 193, MedGen C0265223, MONDO:0008999, OMIM 216550.

Submission:

Labcorp Genetics (formerly Invitae), Labcorp
Classification: Uncertain significance for Cohen syndrome. Last evaluated: 2020-08-04. Review status: criteria provided, single submitter. Criteria: Invitae Variant Classification Sherloc (09022015). Collection method: clinical testing. Allele origin: germline.
Comment: This sequence change replaces tryptophan with cysteine at codon 2537 of the VPS13B protein (p.Trp2537Cys). The tryptophan residue is moderately conserved and there is a large physicochemical difference between tryptophan and cysteine. In summary, the available evidence is currently insufficient to determine the role of this variant in disease. Therefore, it has been classified as a Variant of Uncertain Significance. Algorithms developed to predict the effect of missense changes on protein structure and function are either unavailable or do not agree on the potential impact of this missense change (SIFT: "Deleterious"; PolyPhen-2: "Possibly Damaging"; Align-GVGD: "Class C0"). This variant has not been reported in the literature in individuals with VPS13B-related conditions. This variant is not present in population databases (ExAC no frequency).

NM_152564.5(VPS13B):c.7536G>C (p.Trp2512Cys)

Gene: VPS13B (vacuolar protein sorting 13 homolog B; plus strand). Cytogenetic location: 8q22.2.
Variant type: single nucleotide variant.
Coding change: c.7536G>C on transcript NM_152564.5 (MANE Select); coding-DNA position 7536, G replaced by C.
Protein change: p.Trp2512Cys; replaces tryptophan 2512 with cysteine.
Molecular consequence: missense variant.
Genome position (GRCh38, 1-based): chr8:99,778,788, G>C. VCF-style: chr8-99778788-G-C. GRCh37 (hg19) VCF-style: chr8-100791016-G-C.
Other names: c.7611G>C, p.Trp2537Cys (NM_017890.5); short protein forms W2537C, W2512C.
Identifiers: ClinVar variation 839847 (VCV000839847.8), dbSNP rs1434963421, ClinGen allele CA371876170.
Genomic context (GRCh38, chr8:99,778,788, plus strand): 5'-ATCTGAACTAGAATACATGATTGTTTCCTTCAGAGAACCACACATGTATCTTCGACAGTG[G>C]AATAATGGTTCTGTCTGTCAGGAGATCCAGTTCTTAGCTCAAGCAGACTGTAAACTTCTA-3'
Protein context (NP_689777.3, residues 2502-2522): FREPHMYLRQ[Trp2512Cys]NNGSVCQEIQ